The following is an entry in ClinVar:

ClinVar aggregate classification (germline): Uncertain significance. Review status: criteria provided, multiple submitters, no conflicts (2 of 4 stars). 2 submissions from 2 submitters: Uncertain significance (2). Last evaluated 2024-05-18.

Conditions:
Medulloblastoma (MDB). Also called: Medulloblastoma, somatic; MEDULLOBLASTOMA PREDISPOSITION SYNDROME. Identifiers: Orphanet 616, MedGen C0025149, MeSH D008527, MONDO:0007959, OMIM 155255, HP:0002885.
Familial dysautonomia. Also called: FD; HSAN III. Identifiers: Orphanet 1764, MedGen C0013364, MONDO:0009131, OMIM 223900. Disease mechanism: loss of function.

Allele frequency attached by ClinVar (database versions not stated): gnomAD exomes below 0.00001 and 0.00001; ExAC 0.00002; gnomAD 0.00002 and 0.00003; TOPMed 0.00002.
gnomAD v4.1: 5 of 1,613,818 alleles (0.00031%); highest among the groups gnomAD compares: African/African-American, 0.0067%; no homozygotes.

Submissions (2):

Fulgent Genetics
Classification: Uncertain significance for Medulloblastoma; Familial dysautonomia. Last evaluated: 2024-05-18. Review status: criteria provided, single submitter. Criteria: ACMG Guidelines, 2015. Collection method: clinical testing. Allele origin: germline.

St. Jude Molecular Pathology, St. Jude Children's Research Hospital
Classification: Uncertain significance for Medulloblastoma. Last evaluated: 2022-02-17. Review status: criteria provided, single submitter. Criteria: St. Jude Assertion Criteria 2020. Collection method: clinical testing. Allele origin: germline.
Comment: The ELP1 c.1672A>G (p.Ile558Val) missense change has a maximum subpopulation frequency of 0.018% in gnomAD v2.1.1. Six of seven in silico tools predict a benign effect of this variant on protein function (BP4), but to our knowledge these predictions have not been confirmed by functional assays. To our knowledge, this variant has not been reported in individuals with a personal or family history of medulloblastoma. In summary, this variant meets criteria to be classified as of uncertain significance based on the ACMG/AMP criteria: BP4

NM_003640.5(ELP1):c.1672A>G (p.Ile558Val)

Gene: ELP1 (elongator acetyltransferase complex subunit 1; minus strand). Cytogenetic location: 9q31.3.
Variant type: single nucleotide variant.
Coding change: c.1672A>G on transcript NM_003640.5 (MANE Select); coding-DNA position 1672, A replaced by G.
Protein change: p.Ile558Val; replaces isoleucine 558 with valine.
Molecular consequence: missense variant.
Genome position (GRCh38, 1-based): chr9:108,903,641, T>C on the plus strand (A>G on the coding strand, the complement: ELP1 is on the minus strand). VCF-style: chr9-108903641-T-C. GRCh37 (hg19) VCF-style: chr9-111665921-T-C.
Other names: c.1330A>G, p.Ile444Val (NM_001318360.2); c.625A>G, p.Ile209Val (NM_001330749.2); short protein forms I209V, I444V, I558V.
Identifiers: ClinVar variation 1691516 (VCV001691516.5), dbSNP rs772705478, ClinGen allele CA5174929.
Genomic context (GRCh38, chr9:108,903,641, plus strand): 5'-TCTGGCCATCAGCCAGCTGTAATACTACTGACTTGGTCTTGGAATTGCAACATAGACTGA[T>C]TATGACCCCATCCACCGCTGCAGATGAACTGACAAAAAAAAGGAGAAGGGAGTGTAAACA-3'
Protein context (NP_003631.2, residues 548-568): SSSAAVDGVI[Ile558Val]SLCCNSKTKS